The following is an entry in ClinVar:

NM_002691.4(POLD1):c.966C>T (p.Arg322=)

Gene: POLD1 (DNA polymerase delta 1, catalytic subunit; plus strand). Cytogenetic location: 19q13.33.
Variant type: single nucleotide variant.
Coding change: c.966C>T on transcript NM_002691.4 (MANE Select); coding-DNA position 966, C replaced by T.
Protein change: p.Arg322=; no amino-acid change (arginine 322 retained).
Molecular consequence: synonymous variant. On other transcripts: non-coding transcript variant (1).
Genome position (GRCh38, 1-based): chr19:50,402,737, C>T. VCF-style: chr19-50402737-C-T. GRCh37 (hg19) VCF-style: chr19-50905994-C-T.
Other names: c.966C>T, p.Arg322= (NM_001256849.1, NM_001308632.1).
Identifiers: ClinVar variation 414762 (VCV000414762.17), dbSNP rs927325156, ClinGen allele CA16616352.

ClinVar aggregate classification (germline): Benign/Likely benign. Review status: criteria provided, multiple submitters, no conflicts (2 of 4 stars). 3 submissions from 3 submitters: Benign (1); Likely benign (2). Last evaluated 2025-11-17.

Conditions:
Hereditary cancer-predisposing syndrome. Also called: Neoplastic Syndromes, Hereditary; Hereditary neoplastic syndrome; Hereditary Cancer Syndrome; Tumor predisposition. Identifiers: Orphanet 140162, MedGen C0027672, MeSH D009386, MONDO:0015356.
POLD1-related polyposis and colorectal cancer syndrome (CRCS10). Also called: Colorectal cancer, susceptibility to, 10; Colorectal cancer 10; COLORECTAL CANCER, SUSCEPTIBILITY TO, ON CHROMOSOME 19q. Identifiers: Orphanet 220460, MedGen C2675481, MONDO:0012953, OMIM 612591.

gnomAD v4.1: 19 of 1,590,738 alleles (0.0012%); highest among the groups gnomAD compares: East Asian, 0.043%; no homozygotes.

Submissions (3):

Labcorp Genetics (formerly Invitae), Labcorp
Classification: Likely benign for POLD1-related polyposis and colorectal cancer syndrome. Last evaluated: 2025-11-17. Review status: criteria provided, single submitter. Criteria: Invitae Variant Classification Sherloc (09022015). Collection method: clinical testing. Allele origin: germline.

Myriad Genetics, Inc.
Classification: Benign for POLD1-related polyposis and colorectal cancer syndrome. Last evaluated: 2025-02-05. Review status: criteria provided, single submitter. Criteria: Myriad Autosomal Dominant, Autosomal Recessive and X-Linked Classification Criteria (2023). Collection method: clinical testing. Allele origin: unknown.
Comment: This variant is considered benign. This variant is a silent/synonymous amino acid change and it is not expected to impact splicing.

Ambry Genetics
Classification: Likely benign for Hereditary cancer-predisposing syndrome. Last evaluated: 2017-10-11. Review status: criteria provided, single submitter. Criteria: Ambry Variant Classification Scheme 2023. Collection method: clinical testing. Allele origin: germline.